The following is an entry in ClinVar:

ClinVar aggregate classification (germline): Uncertain significance. Review status: criteria provided, multiple submitters, no conflicts (2 of 4 stars). 2 submissions from 2 submitters: Uncertain significance (2). Last evaluated 2025-11-24.

Conditions:
Inborn genetic diseases. Identifiers: MedGen C0950123, MeSH D030342.

gnomAD v4.1: 31 of 1,609,548 alleles (0.0019%); highest among the groups gnomAD compares: Middle Eastern, 0.017%; no homozygotes.

Submissions (2):

Ambry Genetics
Classification: Uncertain significance for Inborn genetic diseases. Last evaluated: 2025-11-24. Review status: criteria provided, single submitter. Criteria: Ambry Variant Classification Scheme 2023. Collection method: clinical testing. Allele origin: germline.

Labcorp Genetics (formerly Invitae), Labcorp
Classification: Uncertain significance. Last evaluated: 2025-08-04. Review status: criteria provided, single submitter. Criteria: Invitae Variant Classification Sherloc (09022015). Collection method: clinical testing. Allele origin: germline.
Comment: This sequence change replaces alanine, which is neutral and non-polar, with threonine, which is neutral and polar, at codon 2492 of the LAMA5 protein (p.Ala2492Thr). This variant is present in population databases (rs373181217, gnomAD 0.005%). This variant has not been reported in the literature in individuals affected with LAMA5-related conditions. ClinVar contains an entry for this variant (Variation ID: 3607157). Invitae Evidence Modeling of protein sequence and biophysical properties (such as structural, functional, and spatial information, amino acid conservation, physicochemical variation, residue mobility, and thermodynamic stability) has been performed for this missense variant. However, the output from this modeling did not meet the statistical confidence thresholds required to predict the impact of this variant on LAMA5 protein function. In summary, the available evidence is currently insufficient to determine the role of this variant in disease. Therefore, it has been classified as a Variant of Uncertain Significance.

NM_005560.6(LAMA5):c.7474G>A (p.Ala2492Thr)

Gene: LAMA5 (laminin subunit alpha 5; minus strand). Cytogenetic location: 20q13.33.
Variant type: single nucleotide variant.
Coding change: c.7474G>A on transcript NM_005560.6 (MANE Select); coding-DNA position 7474, G replaced by A.
Protein change: p.Ala2492Thr; replaces alanine 2492 with threonine.
Molecular consequence: missense variant.
Genome position (GRCh38, 1-based): chr20:62,317,382, C>T on the plus strand (G>A on the coding strand, the complement: LAMA5 is on the minus strand). VCF-style: chr20-62317382-C-T. GRCh37 (hg19) VCF-style: chr20-60892438-C-T.
Other names: c.7474G>A (NM_005560.3); short protein forms A2492T.
Identifiers: ClinVar variation 3607157 (VCV003607157.3).